The following is an entry in ClinVar:

ClinVar aggregate classification (germline): Benign/Likely benign. Review status: criteria provided, multiple submitters, no conflicts (2 of 4 stars). 2 submissions from 2 submitters: Benign (1); Likely benign (1). Last evaluated 2021-05-22.

Conditions:
Megaloblastic anemia, thiamine-responsive, with diabetes mellitus and sensorineural deafness (TRMA). Also called: Thiamine-Responsive Megaloblastic Anemia Syndrome; THIAMINE METABOLISM DYSFUNCTION SYNDROME 1 (MEGALOBLASTIC ANEMIA, DIABETES MELLITUS, AND DEAFNESS TYPE); ROGERS SYNDROME; THIAMINE-RESPONSIVE ANEMIA SYNDROME; THIAMINE-RESPONSIVE MYELODYSPLASIA. Identifiers: Orphanet 49827, MedGen C0342287, MONDO:0009575, OMIM 249270.

Allele frequency attached by ClinVar (database versions not stated): gnomAD 0.00816 and 0.00885; 1000 Genomes Project 0.00859; TOPMed 0.00883; 1000 Genomes Project 30x 0.00890.

Submissions (2):

GeneDx
Classification: Likely benign. Last evaluated: 2021-05-22. Review status: criteria provided, single submitter. Criteria: GeneDx Variant Classification Process June 2021. Collection method: clinical testing. Allele origin: germline. Affected: yes.

Illumina Laboratory Services, Illumina
Classification: Benign for Megaloblastic anemia, thiamine-responsive, with diabetes mellitus and sensorineural deafness. Last evaluated: 2018-01-13. Review status: criteria provided, single submitter. Criteria: ICSL Variant Classification Criteria 13 December 2019. Collection method: clinical testing. Allele origin: germline.
Comment: This variant was observed in the ICSL laboratory as part of a predisposition screen in an ostensibly healthy population. It had not been previously curated by ICSL or reported in the Human Gene Mutation Database (HGMD: prior to June 1st, 2018), and was therefore a candidate for classification through an automated scoring system. Utilizing variant allele frequency, disease prevalence and penetrance estimates, and inheritance mode, an automated score was calculated to assess if this variant is too frequent to cause the disease. Based on the score and internal cut-off values, a variant classified as benign is not then subjected to further curation. The score for this variant resulted in a classification of benign for this disease.

NM_006996.3(SLC19A2):c.*1421A>G

Gene: SLC19A2 (solute carrier family 19 member 2; minus strand). Cytogenetic location: 1q24.2.
Variant type: single nucleotide variant.
Coding change: c.*1421A>G on transcript NM_006996.3 (MANE Select); 1421 bases downstream of the stop codon, A replaced by G.
Molecular consequence: 3 prime UTR variant.
Genome position (GRCh38, 1-based): chr1:169,464,428, T>C on the plus strand (A>G on the coding strand, the complement: SLC19A2 is on the minus strand). VCF-style: chr1-169464428-T-C. GRCh37 (hg19) VCF-style: chr1-169433666-T-C.
Other names: c.*1421A>G (NM_001319667.1).
Identifiers: ClinVar variation 875948 (VCV000875948.5), dbSNP rs74121673, ClinGen allele CA32433962.